The following is an entry in ClinVar:

ClinVar aggregate classification (germline): Pathogenic. Review status: criteria provided, multiple submitters, no conflicts (2 of 4 stars). 4 submissions from 4 submitters: Pathogenic (3). 1 of the submissions does not count toward it. Last evaluated 2025-06-29.

Conditions:
Capillary malformation-arteriovenous malformation syndrome. Also called: Capillary malformation-arteriovenous malformation. Identifiers: Orphanet 137667, MedGen C1842180, MONDO:0012016.
Capillary malformation-arteriovenous malformation 1 (CMAVM1). Identifiers: Orphanet 137667, Orphanet 693907, MedGen C4747394, MONDO:0020783, OMIM 608354.

Submissions (4):

Labcorp Genetics (formerly Invitae), Labcorp
Classification: Pathogenic for Capillary malformation-arteriovenous malformation syndrome. Last evaluated: 2025-06-29. Review status: criteria provided, single submitter. Criteria: Invitae Variant Classification Sherloc (09022015). Collection method: clinical testing. Allele origin: germline.
Comment: This sequence change affects a donor splice site in intron 19 of the RASA1 gene. It is expected to disrupt RNA splicing. Variants that disrupt the donor or acceptor splice site typically lead to a loss of protein function (PMID: 16199547), and loss-of-function variants in RASA1 are known to be pathogenic (PMID: 24038909). This variant is not present in population databases (gnomAD no frequency). Disruption of this splice site has been observed in individuals with capillary malformation-arteriovenous malformation (CM-AVM) (PMID: 18446851, 23164092). ClinVar contains an entry for this variant (Variation ID: 533449). Algorithms developed to predict the effect of sequence changes on RNA splicing suggest that this variant may disrupt the consensus splice site. For these reasons, this variant has been classified as Pathogenic.

GeneDx
Classification: Pathogenic. Last evaluated: 2024-03-12. Review status: criteria provided, single submitter. Criteria: GeneDx Variant Classification Process June 2021. Collection method: clinical testing. Allele origin: germline. Affected: yes.
Comment: Canonical splice site variant predicted to result in a null allele in a gene for which loss of function is a known mechanism of disease; Not observed at significant frequency in large population cohorts (gnomAD); This variant is associated with the following publications: (PMID: 25525159, 18446851, 25040287, 29891884, 23164092)

Institute of Medical Genetics and Applied Genomics, University Hospital Tübingen
Classification: Pathogenic for Capillary malformation-arteriovenous malformation 1. Last evaluated: 2022-11-18. Review status: criteria provided, single submitter. Criteria: ACMG Guidelines, 2015. Collection method: clinical testing. Allele origin: germline. Inheritance: Autosomal dominant inheritance. Affected: yes.

Seattle Children's Hospital Molecular Genetics Laboratory, Seattle Children's Hospital
Classification: Pathogenic for Capillary malformation-arteriovenous malformation 1. Review status: no assertion criteria provided. Collection method: clinical testing. Allele origin: germline. Affected: yes. Not counted in ClinVar's aggregate classification.

Literature cited by the submitters: PubMed 16199547 (cited by Labcorp Genetics (formerly Invitae), Labcorp); PubMed 24038909 (cited by Labcorp Genetics (formerly Invitae), Labcorp); PubMed 18446851 (cited by Labcorp Genetics (formerly Invitae), Labcorp); PubMed 23164092 (cited by Labcorp Genetics (formerly Invitae), Labcorp).

NM_002890.3(RASA1):c.2603+1G>A

Genes: CCNH (cyclin H; minus strand), RASA1 (RAS p21 protein activator 1; plus strand). Cytogenetic location: 5q14.3.
Variant type: single nucleotide variant.
Coding change: c.2603+1G>A on transcript NM_002890.3 (MANE Select); the canonical splice donor site of the intron after coding-DNA position 2603, G replaced by A.
Molecular consequence: splice donor variant. On other transcripts: intron variant (1).
Genome position (GRCh38, 1-based): chr5:87,379,851, G>A. VCF-style: chr5-87379851-G-A. GRCh37 (hg19) VCF-style: chr5-86675668-G-A.
Other names: c.2072+1G>A (NM_022650.3); c.933+15193C>T (NM_001364075.2).
Identifiers: ClinVar variation 533449 (VCV000533449.13), dbSNP rs983011713, ClinGen allele CA121814554.